The following is an entry in ClinVar:

ClinVar aggregate classification (germline): Uncertain significance (1 of 4 stars; one submission).

Allele frequency attached by ClinVar (database versions not stated): TOPMed below 0.00001; gnomAD exomes 0.00003; ExAC 0.00006.
gnomAD v4.1: 17 of 1,614,210 alleles (0.0011%); highest among the groups gnomAD compares: Non-Finnish European, 0.0014%; no homozygotes.

Submission:

Labcorp Genetics (formerly Invitae), Labcorp
Classification: Uncertain significance. Last evaluated: 2024-09-01. Review status: criteria provided, single submitter. Criteria: Invitae Variant Classification Sherloc (09022015). Collection method: clinical testing. Allele origin: germline.
Comment: This sequence change falls in intron 20 of the ATP1A1 gene. It does not directly change the encoded amino acid sequence of the ATP1A1 protein. It affects a nucleotide within the consensus splice site. This variant is present in population databases (rs753079721, gnomAD 0.006%). This variant has not been reported in the literature in individuals affected with ATP1A1-related conditions. Variants that disrupt the consensus splice site are a relatively common cause of aberrant splicing (PMID: 17576681, 9536098). Algorithms developed to predict the effect of sequence changes on RNA splicing suggest that this variant is not likely to affect RNA splicing. In summary, the available evidence is currently insufficient to determine the role of this variant in disease. Therefore, it has been classified as a Variant of Uncertain Significance.

Literature cited by the submitters: PubMed 17576681; PubMed 9536098.

NM_000701.8(ATP1A1):c.2849+3A>G

Genes: ATP1A1 (ATPase Na+/K+ transporting subunit alpha 1; plus strand), ATP1A1-AS1 (ATP1A1 antisense RNA 1; minus strand). Cytogenetic location: 1p13.1.
Variant type: single nucleotide variant.
Coding change: c.2849+3A>G on transcript NM_000701.8 (MANE Select); 3 bases into the intron after coding-DNA position 2849, A replaced by G.
Molecular consequence: intron variant.
Genome position (GRCh38, 1-based): chr1:116,401,263, A>G. VCF-style: chr1-116401263-A-G. GRCh37 (hg19) VCF-style: chr1-116943885-A-G.
Other names: c.2849+3A>G (NM_001160233.2); c.2756+3A>G (NM_001160234.2).
Identifiers: ClinVar variation 2790962 (VCV002790962.3), dbSNP rs753079721, ClinGen allele CA1025647.